The following is an entry in ClinVar:

ClinVar aggregate classification (germline): Uncertain significance. Review status: criteria provided, multiple submitters, no conflicts (2 of 4 stars). 4 submissions from 4 submitters: Uncertain significance (3). 1 of the submissions does not count toward it. Last evaluated 2026-02-09.

Conditions:
Nephrotic syndrome, type 2 (NPHS2). Also called: NEPHROTIC SYNDROME, STEROID-RESISTANT, AUTOSOMAL RECESSIVE. Identifiers: Orphanet 656, MedGen C1868672, MONDO:0010974, OMIM 600995.

Allele frequency attached by ClinVar (database versions not stated): gnomAD exomes 0.00001 and 0.00002; ExAC 0.00002; gnomAD 0.00002; TOPMed 0.00004.
gnomAD v4.1: 16 of 1,613,912 alleles (0.00099%); highest among the groups gnomAD compares: Middle Eastern, 0.033%; no homozygotes.

Submissions (4):

Women's Health and Genetics/Laboratory Corporation of America, LabCorp
Classification: Uncertain significance. Last evaluated: 2026-02-09. Review status: criteria provided, single submitter. Criteria: LabCorp Variant Classification Summary - May 2015. Collection method: clinical testing. Allele origin: germline.
Comment: Variant summary: NPHS2 c.695C>T (p.Thr232Ile) results in a non-conservative amino acid change in the encoded protein sequence. Algorithms developed to predict the effect of missense changes on protein structure and function all suggest that this variant is likely to be disruptive. The variant allele was found at a frequency of 1.6e-05 in 250926 control chromosomes. c.695C>T has been observed in individual(s) affected with Nephrotic Syndrome, Type 2. These data indicate that the variant may be associated with disease. To our knowledge, no experimental evidence demonstrating an impact on protein function has been reported. The following publications have been ascertained in the context of this evaluation (PMID: 35990031, 18823551). ClinVar contains an entry for this variant (Variation ID: 555995). Based on the evidence outlined above, the variant was classified as VUS-possibly pathogenic.

Genome-Nilou Lab
Classification: Uncertain significance for Nephrotic syndrome, type 2. Last evaluated: 2023-04-11. Review status: criteria provided, single submitter. Criteria: ACMG Guidelines, 2015. Collection method: clinical testing. Allele origin: germline. Affected: no.

Fulgent Genetics
Classification: Uncertain significance for Nephrotic syndrome, type 2. Last evaluated: 2022-03-05. Review status: criteria provided, single submitter. Criteria: ACMG Guidelines, 2015. Collection method: clinical testing. Allele origin: unknown.

Counsyl
Classification: Uncertain significance for Nephrotic syndrome, type 2. Last evaluated: 2018-01-05. Review status: no assertion criteria provided. Collection method: clinical testing. Allele origin: unknown. Not counted in ClinVar's aggregate classification.

Literature cited by the submitters: PubMed 18823551 (cited by Women's Health and Genetics/Laboratory Corporation of America, LabCorp and Counsyl); PubMed 35990031 (cited by Women's Health and Genetics/Laboratory Corporation of America, LabCorp); PubMed 24511133 (cited by Counsyl).

NM_014625.4(NPHS2):c.695C>T (p.Thr232Ile)

Gene: NPHS2 (NPHS2 stomatin family member, podocin; minus strand). Cytogenetic location: 1q25.2.
Variant type: single nucleotide variant.
Coding change: c.695C>T on transcript NM_014625.4 (MANE Select); coding-DNA position 695, C replaced by T.
Protein change: p.Thr232Ile; replaces threonine 232 with isoleucine.
Molecular consequence: missense variant. On other transcripts: intron variant (1).
Genome position (GRCh38, 1-based): chr1:179,557,070, G>A on the plus strand (C>T on the coding strand, the complement: NPHS2 is on the minus strand). VCF-style: chr1-179557070-G-A. GRCh37 (hg19) VCF-style: chr1-179526205-G-A.
Other names: c.535-2539C>T (NM_001297575.2); short protein forms T232I.
Identifiers: ClinVar variation 555995 (VCV000555995.5), dbSNP rs774199987, ClinGen allele CA1267152.